The following is an entry in ClinVar:

NM_018341.3(ERMARD):c.1960A>T (p.Lys654Ter)

Gene: ERMARD (ER membrane associated RNA degradation; plus strand). Cytogenetic location: 6q27.
Variant type: single nucleotide variant.
Coding change: c.1960A>T on transcript NM_018341.3 (MANE Select); coding-DNA position 1960, A replaced by T.
Protein change: p.Lys654Ter; replaces lysine 654 with a stop codon.
Molecular consequence: nonsense.
Genome position (GRCh38, 1-based): chr6:169,781,436, A>T. VCF-style: chr6-169781436-A-T. GRCh37 (hg19) VCF-style: chr6-170181532-A-T.
Other names: c.1819A>T, p.Lys607Ter (NM_001278531.2); c.1582A>T, p.Lys528Ter (NM_001278532.2); c.1741A>T, p.Lys581Ter (NM_001278533.2); c.1552A>T, p.Lys518Ter (NM_001410957.1); short protein forms K518*, K528*, K607*, K654*, K581*.
Identifiers: ClinVar variation 4716087 (VCV004716087.1).

ClinVar aggregate classification (germline): Uncertain significance (1 of 4 stars; one submission).

Submission:

Labcorp Genetics (formerly Invitae), Labcorp
Classification: Uncertain significance. Last evaluated: 2025-05-01. Review status: criteria provided, single submitter. Criteria: Invitae Variant Classification Sherloc (09022015). Collection method: clinical testing. Allele origin: germline.
Comment: This sequence change creates a premature translational stop signal (p.Lys654*) in the ERMARD gene. While this is not anticipated to result in nonsense mediated decay, it is expected to disrupt the last 25 amino acid(s) of the ERMARD protein. This variant is not present in population databases (gnomAD no frequency). This variant has not been reported in the literature in individuals affected with ERMARD-related conditions. Experimental studies and prediction algorithms are not available or were not evaluated, and the functional significance of this variant is currently unknown. In summary, the available evidence is currently insufficient to determine the role of this variant in disease. Therefore, it has been classified as a Variant of Uncertain Significance.